The following is an entry in ClinVar:

NM_001267550.2(TTN):c.94053G>A (p.Ser31351=)

Genes: TTN (titin; minus strand), TTN-AS1 (TTN antisense RNA 1; plus strand). Cytogenetic location: 2q31.2.
Variant type: single nucleotide variant.
Coding change: c.94053G>A on transcript NM_001267550.2 (MANE Select); coding-DNA position 94053, G replaced by A.
Protein change: p.Ser31351=; no amino-acid change (serine 31351 retained).
Molecular consequence: synonymous variant.
Genome position (GRCh38, 1-based): chr2:178,547,573, C>T on the plus strand (G>A on the coding strand, the complement: TTN is on the minus strand). VCF-style: chr2-178547573-C-T. GRCh37 (hg19) VCF-style: chr2-179412300-C-T.
Other names: c.89130G>A, p.Ser29710= (NM_001256850.1); c.66858G>A, p.Ser22286= (NM_003319.4); c.86349G>A, p.Ser28783= (NM_133378.4); c.67233G>A, p.Ser22411= (NM_133432.3); c.67434G>A, p.Ser22478= (NM_133437.4).
Identifiers: ClinVar variation 1307373 (VCV001307373.11), dbSNP rs777229309, ClinGen allele CA1987208.

ClinVar aggregate classification (germline): Conflicting classifications of pathogenicity. Review status: criteria provided, conflicting classifications (1 of 4 stars). 3 submissions from 3 submitters: Uncertain significance (1); Likely benign (2). Last evaluated 2022-10-18.

Conditions:
Cardiovascular phenotype. Identifiers: MedGen CN230736.
Autosomal recessive limb-girdle muscular dystrophy type 2J (LGMDR10). Also called: MUSCULAR DYSTROPHY, LIMB-GIRDLE, AUTOSOMAL RECESSIVE 10; Limb-girdle muscular dystrophy, type 2J. Identifiers: Orphanet 140922, MedGen C1837342, MONDO:0012127, OMIM 608807.
Dilated cardiomyopathy 1G (CMD1G). Identifiers: Orphanet 154, MedGen C1858763, MONDO:0011400, OMIM 604145.

Allele frequency attached by ClinVar (database versions not stated): gnomAD 0.00001; gnomAD exomes 0.00001 and 0.00003; ExAC 0.00002; TOPMed 0.00003.

Submissions (3):

Labcorp Genetics (formerly Invitae), Labcorp
Classification: Likely benign for Dilated cardiomyopathy 1G; Autosomal recessive limb-girdle muscular dystrophy type 2J. Last evaluated: 2022-10-18. Review status: criteria provided, single submitter. Criteria: Invitae Variant Classification Sherloc (09022015). Collection method: clinical testing. Allele origin: germline.

Ambry Genetics
Classification: Likely benign for Cardiovascular phenotype. Last evaluated: 2022-02-20. Review status: criteria provided, single submitter. Criteria: Ambry Variant Classification Scheme 2023. Collection method: clinical testing. Allele origin: germline.

GeneDx
Classification: Uncertain significance. Last evaluated: 2019-07-22. Review status: criteria provided, single submitter. Criteria: GeneDx Variant Classification Process June 2021. Collection method: clinical testing. Allele origin: germline. Affected: yes.
Comment: Has not been previously published as pathogenic or benign to our knowledge; Located in the A-band region of titin, where the majority of truncating pathogenic variants associated with DCM have been reported (Herman et al., 2012); In silico analysis, which includes splice predictors and evolutionary conservation, suggests this variant may impact gene splicing. In the absence of RNA/functional studies, the actual effect of this sequence change is unknown.